The following is an entry in ClinVar:

NM_015065.3(EXPH5):c.4642A>G (p.Asn1548Asp)

Gene: EXPH5 (exophilin 5; minus strand). Cytogenetic location: 11q22.3.
Variant type: single nucleotide variant.
Coding change: c.4642A>G on transcript NM_015065.3 (MANE Select); coding-DNA position 4642, A replaced by G.
Protein change: p.Asn1548Asp; replaces asparagine 1548 with aspartic acid.
Molecular consequence: missense variant.
Genome position (GRCh38, 1-based): chr11:108,510,865, T>C on the plus strand (A>G on the coding strand, the complement: EXPH5 is on the minus strand). VCF-style: chr11-108510865-T-C. GRCh37 (hg19) VCF-style: chr11-108381592-T-C.
Other names: c.4414A>G, p.Asn1472Asp (NM_001144763.2); c.4174A>G, p.Asn1392Asp (NM_001144764.2); c.4078A>G, p.Asn1360Asp (NM_001144765.2); c.4621A>G, p.Asn1541Asp (NM_001308019.2); c.4642A>G (NM_015065.2); short protein forms N1360D, N1392D, N1472D, N1541D, N1548D.
Identifiers: ClinVar variation 2727609 (VCV002727609.3), dbSNP rs368588746, ClinGen allele CA6267485.
Genomic context (GRCh38, chr11:108,510,865, plus strand): 5'-AAGGTTGATCCCAAGCTGACTTCTGCATTTCATCTTCAGCCTTCCTGCTCTCTGTCATAT[T>C]TGCCTCCTGACTTCTTTGAGGTAATTCTCTTGGTTCAGACTGCAGACTCTCTAAGTTTGG-3'
Protein context (NP_055880.2, residues 1538-1558): RELPQRSQEA[Asn1548Asp]MTESRKAEDE

ClinVar aggregate classification (germline): Uncertain significance. Review status: criteria provided, multiple submitters, no conflicts (2 of 4 stars). 2 submissions from 2 submitters: Uncertain significance (2). Last evaluated 2024-01-03.

Conditions:
Inborn genetic diseases. Identifiers: MedGen C0950123, MeSH D030342.

Allele frequency attached by ClinVar (database versions not stated): ExAC 0.00008; ESP Exome Variant Server 0.00008; gnomAD 0.00010; TOPMed 0.00012; gnomAD exomes 0.00014.
gnomAD v4.1: 216 of 1,614,116 alleles (0.013%); highest among the groups gnomAD compares: Admixed American, 0.035%; no homozygotes.

Submissions (2):

Ambry Genetics
Classification: Uncertain significance for Inborn genetic diseases. Last evaluated: 2024-01-03. Review status: criteria provided, single submitter. Criteria: Ambry Variant Classification Scheme 2023. Collection method: clinical testing. Allele origin: germline.

Labcorp Genetics (formerly Invitae), Labcorp
Classification: Uncertain significance. Last evaluated: 2023-07-20. Review status: criteria provided, single submitter. Criteria: Invitae Variant Classification Sherloc (09022015). Collection method: clinical testing. Allele origin: germline.
Comment: This variant is present in population databases (rs368588746, gnomAD 0.03%). This sequence change replaces asparagine, which is neutral and polar, with aspartic acid, which is acidic and polar, at codon 1548 of the EXPH5 protein (p.Asn1548Asp). This variant has not been reported in the literature in individuals affected with EXPH5-related conditions. Algorithms developed to predict the effect of missense changes on protein structure and function output the following: SIFT: "Not Available"; PolyPhen-2: "Benign"; Align-GVGD: "Not Available". The aspartic acid amino acid residue is found in multiple mammalian species, which suggests that this missense change does not adversely affect protein function. In summary, the available evidence is currently insufficient to determine the role of this variant in disease. Therefore, it has been classified as a Variant of Uncertain Significance.